The following is an entry in ClinVar:

NM_003482.4(KMT2D):c.15922-13A>G

Gene: KMT2D (lysine methyltransferase 2D; minus strand). Cytogenetic location: 12q13.12.
Variant type: single nucleotide variant.
Coding change: c.15922-13A>G on transcript NM_003482.4 (MANE Select); 13 bases into the intron before coding-DNA position 15922, A replaced by G.
Molecular consequence: intron variant.
Genome position (GRCh38, 1-based): chr12:49,024,721, T>C on the plus strand (A>G on the coding strand, the complement: KMT2D is on the minus strand). VCF-style: chr12-49024721-T-C. GRCh37 (hg19) VCF-style: chr12-49418504-T-C.
Identifiers: ClinVar variation 3906352 (VCV003906352.1).
Genomic context (GRCh38, chr12:49,024,721, plus strand): 5'-GCGCCCATAGCGGAATAAATAGTTTTGACAGCTCTCCACCCCGGGCAGCTGTGGGCACAG[T>C]TCATACTCACCTTAGCCTGAGTTTTTTTGGGGTTAGGCCAAAGTTCTCAGTGCCCGCCAA-3'

ClinVar aggregate classification (germline): Uncertain significance (1 of 4 stars; one submission).

gnomAD v4.1: 1 of 1,612,804 alleles (0.000062%); highest among the groups gnomAD compares: Non-Finnish European, 0.000085%; no homozygotes.

Submission:

GeneDx
Classification: Uncertain significance. Last evaluated: 2024-12-19. Review status: criteria provided, single submitter. Criteria: GeneDx Variant Classification Process June 2021. Collection method: clinical testing. Allele origin: germline. Affected: yes.
Comment: Not observed at significant frequency in large population cohorts (gnomAD); In silico analysis is inconclusive as to whether the variant alters gene splicing. In the absence of RNA/functional studies, the actual effect of this sequence change is unknown.; Has not been previously published as pathogenic or benign to our knowledge